The following is an entry in ClinVar:

ClinVar aggregate classification (germline): Uncertain significance (1 of 4 stars; one submission).

Conditions:
Hereditary breast ovarian cancer syndrome. Also called: Hereditary breast and/or ovarian cancer syndrome; Hereditary breast and ovarian cancer; Hereditary breast and ovarian cancer syndrome; Breast and ovarian cancer; Hereditary breast and ovarian cancer syndrome (HBOC); BRCA1- and BRCA2-Associated Hereditary Breast and Ovarian Cancer. Identifiers: Orphanet 145, MedGen C0677776, MeSH D061325, MONDO:0003582. Disease mechanism: loss of function.

Submission:

Labcorp Genetics (formerly Invitae), Labcorp
Classification: Uncertain significance for Hereditary breast ovarian cancer syndrome. Last evaluated: 2025-08-18. Review status: criteria provided, single submitter. Criteria: Invitae Variant Classification Sherloc (09022015). Collection method: clinical testing. Allele origin: germline.
Comment: This sequence change replaces isoleucine, which is neutral and non-polar, with arginine, which is basic and polar, at codon 2209 of the BRCA2 protein (p.Ile2209Arg). This variant is not present in population databases (gnomAD no frequency). This variant has not been reported in the literature in individuals affected with BRCA2-related conditions. ClinVar contains an entry for this variant (Variation ID: 2824639). Invitae Evidence Modeling of protein sequence and biophysical properties (such as structural, functional, and spatial information, amino acid conservation, physicochemical variation, residue mobility, and thermodynamic stability) indicates that this missense variant is not expected to disrupt BRCA2 protein function with a negative predictive value of 95%. In summary, the available evidence is currently insufficient to determine the role of this variant in disease. Therefore, it has been classified as a Variant of Uncertain Significance.

NM_000059.4(BRCA2):c.6626T>G (p.Ile2209Arg)

Gene: BRCA2 (BRCA2 DNA repair associated; plus strand). Cytogenetic location: 13q13.1.
Variant type: single nucleotide variant.
Coding change: c.6626T>G on transcript NM_000059.4 (MANE Select); coding-DNA position 6626, T replaced by G.
Protein change: p.Ile2209Arg; replaces isoleucine 2209 with arginine.
Molecular consequence: missense variant. On other transcripts: non-coding transcript variant (1), intron variant (2).
Genome position (GRCh38, 1-based): chr13:32,340,981, T>G. VCF-style: chr13-32340981-T-G. GRCh37 (hg19) VCF-style: chr13-32915118-T-G.
Other names: c.6626T>G, p.Ile2209Arg (NM_001406719.1, NM_001406720.1); c.1910-3577T>G (NM_001406721.1); c.425-3577T>G (NM_001406722.1); short protein forms I2209R.
Identifiers: ClinVar variation 2824639 (VCV002824639.3), dbSNP rs431825344, ClinGen allele CA387790249.